The following is an entry in ClinVar:

NM_001242896.3(DEPDC5):c.2006+3G>A

Gene: DEPDC5 (DEP domain containing 5, GATOR1 subcomplex subunit; plus strand). Cytogenetic location: 22q12.3.
Variant type: single nucleotide variant.
Coding change: c.2006+3G>A on transcript NM_001242896.3 (MANE Select); 3 bases into the intron after coding-DNA position 2006, G replaced by A.
Molecular consequence: intron variant.
Genome position (GRCh38, 1-based): chr22:31,821,640, G>A. VCF-style: chr22-31821640-G-A. GRCh37 (hg19) VCF-style: chr22-32217626-G-A.
Other names: c.2006+3G>A (NM_001364318.2, NM_001136029.4, NM_014662.6 and 3 more transcripts); c.1870+2415G>A (NM_001363854.2, NM_001242897.2, NM_001364319.2); c.1922+3G>A (NM_001369902.1, NM_001369901.1).
Identifiers: ClinVar variation 466461 (VCV000466461.15), dbSNP rs752184633, ClinGen allele CA10196524.
Genomic context (GRCh38, chr22:31,821,640, plus strand): 5'-ATCCAACTCACTCCTCTGCAGAGCTGCTGGAGTTAGCATATCATGAAGCTGCTGGAAGGT[G>A]AGGATGTGCACAGGGCTCTGGAAGGTAACCTGAGAACACTCTCCAGCACCCAGGACAATG-3'

ClinVar aggregate classification (germline): Conflicting classifications of pathogenicity. Review status: criteria provided, conflicting classifications (1 of 4 stars). 3 submissions from 3 submitters: Uncertain significance (1); Likely benign (1). 1 of the submissions does not count toward it. Last evaluated 2026-01-12.

Conditions:
Familial focal epilepsy with variable foci (FPEVF). Identifiers: Orphanet 98820, MedGen C1858477, MONDO:0020310.
Inborn genetic diseases. Identifiers: MedGen C0950123, MeSH D030342.
DEPDC5-related disorder. Also called: DEPDC5-related condition; DEPDC5-related related disorder.

Allele frequency attached by ClinVar (database versions not stated): gnomAD 0.00002 and 0.00003; ExAC 0.00003; gnomAD exomes 0.00003 and 0.00004; TOPMed 0.00004.
gnomAD v4.1: 46 of 1,612,800 alleles (0.0029%); highest among the groups gnomAD compares: Admixed American, 0.0067%; no homozygotes.

Submissions (3):

Labcorp Genetics (formerly Invitae), Labcorp
Classification: Uncertain significance for Familial focal epilepsy with variable foci. Last evaluated: 2026-01-12. Review status: criteria provided, single submitter. Criteria: Invitae Variant Classification Sherloc (09022015). Collection method: clinical testing. Allele origin: germline.
Comment: This sequence change falls in intron 23 of the DEPDC5 gene. It does not directly change the encoded amino acid sequence of the DEPDC5 protein. It affects a nucleotide within the consensus splice site. This variant is present in population databases (rs752184633, gnomAD 0.008%). This variant has not been reported in the literature in individuals affected with DEPDC5-related conditions. ClinVar contains an entry for this variant (Variation ID: 466461). Variants that disrupt the consensus splice site are a relatively common cause of aberrant splicing (PMID: 17576681, 9536098). Algorithms developed to predict the effect of sequence changes on RNA splicing suggest that this variant is not likely to affect RNA splicing. In summary, the available evidence is currently insufficient to determine the role of this variant in disease. Therefore, it has been classified as a Variant of Uncertain Significance.

Ambry Genetics
Classification: Likely benign for Inborn genetic diseases. Last evaluated: 2024-06-18. Review status: criteria provided, single submitter. Criteria: Ambry Variant Classification Scheme 2023. Collection method: clinical testing. Allele origin: germline.

PreventionGenetics, part of Exact Sciences
Classification: Likely benign for DEPDC5-related condition. Last evaluated: 2022-02-02. Review status: no assertion criteria provided. Collection method: clinical testing. Allele origin: germline. Not counted in ClinVar's aggregate classification.
Comment: This variant is classified as likely benign based on ACMG/AMP sequence variant interpretation guidelines (Richards et al. 2015 PMID: 25741868, with internal and published modifications).

Literature cited by the submitters: PubMed 17576681 (cited by Labcorp Genetics (formerly Invitae), Labcorp); PubMed 9536098 (cited by Labcorp Genetics (formerly Invitae), Labcorp).